The following is an entry in ClinVar:

NM_005909.5(MAP1B):c.1259T>C (p.Leu420Pro)

Gene: MAP1B (microtubule associated protein 1B; plus strand). Cytogenetic location: 5q13.2.
Variant type: single nucleotide variant.
Coding change: c.1259T>C on transcript NM_005909.5 (MANE Select); coding-DNA position 1259, T replaced by C.
Protein change: p.Leu420Pro; replaces leucine 420 with proline.
Molecular consequence: missense variant.
Genome position (GRCh38, 1-based): chr5:72,194,614, T>C. VCF-style: chr5-72194614-T-C. GRCh37 (hg19) VCF-style: chr5-71490441-T-C.
Other names: c.881T>C, p.Leu294Pro (NM_001324255.2); short protein forms L294P, L420P.
Identifiers: ClinVar variation 4685032 (VCV004685032.2).

ClinVar aggregate classification (germline): Uncertain significance (1 of 4 stars; one submission).

Submission:

GeneDx
Classification: Uncertain significance. Last evaluated: 2026-02-03. Review status: criteria provided, single submitter. Criteria: GeneDx Variant Classification Process June 2021. Collection method: clinical testing. Allele origin: germline.
Comment: Not observed at significant frequency in large population cohorts (gnomAD); In silico analysis supports that this missense variant has a deleterious effect on protein structure/function; Has not been previously published as pathogenic or benign to our knowledge